The following is an entry in ClinVar:

ClinVar aggregate classification (germline): Benign/Likely benign. Review status: criteria provided, multiple submitters, no conflicts (2 of 4 stars). 7 submissions from 6 submitters: Benign (2); Likely benign (4). 1 of the submissions does not count toward it. Last evaluated 2025-05-29.

Conditions:
NOTCH1-related disorder. Also called: NOTCH1-related condition; NOTCH1-related disorders.
Adams-Oliver syndrome 5 (AOS5). Identifiers: Orphanet 974, MedGen C4014970, MONDO:0014459, OMIM 616028.
Aortic valve disease 1 (AOVD1). Identifiers: MedGen C3887892, MONDO:0024523, OMIM 109730.

Allele frequency attached by ClinVar (database versions not stated): TOPMed 0.00003; gnomAD 0.00004 and 0.00005; gnomAD exomes 0.00009; ExAC 0.00012.

Submissions (7):

ARUP Laboratories, Molecular Genetics and Genomics, ARUP Laboratories
Classification: Likely benign. Last evaluated: 2025-05-29. Review status: criteria provided, single submitter. Criteria: ARUP Molecular Germline Variant Investigation Process 2024. Collection method: clinical testing. Allele origin: germline.

Blueprint Genetics
Classification: Likely benign. Last evaluated: 2024-11-27. Review status: criteria provided, single submitter. Criteria: ACMG Guidelines, 2015. Collection method: clinical testing. Allele origin: germline.

Genome-Nilou Lab
Classification: Benign for Adams-Oliver syndrome 5. Last evaluated: 2022-03-15. Review status: criteria provided, single submitter. Criteria: ACMG Guidelines, 2015. Collection method: clinical testing. Allele origin: germline. Affected: no.

Genome-Nilou Lab
Classification: Benign for Aortic valve disease 1. Last evaluated: 2022-03-15. Review status: criteria provided, single submitter. Criteria: ACMG Guidelines, 2015. Collection method: clinical testing. Allele origin: germline. Affected: no.

Labcorp Genetics (formerly Invitae), Labcorp
Classification: Likely benign for Adams-Oliver syndrome 5. Last evaluated: 2019-12-31. Review status: criteria provided, single submitter. Criteria: Invitae Variant Classification Sherloc (09022015). Collection method: clinical testing. Allele origin: germline.

GeneDx
Classification: Likely benign. Last evaluated: 2018-10-12. Review status: criteria provided, single submitter. Criteria: GeneDx Variant Classification Process June 2021. Collection method: clinical testing. Allele origin: germline. Affected: yes.

PreventionGenetics, part of Exact Sciences
Classification: Likely benign for NOTCH1-related condition. Last evaluated: 2021-06-15. Review status: no assertion criteria provided. Collection method: clinical testing. Allele origin: germline. Not counted in ClinVar's aggregate classification.
Comment: This variant is classified as likely benign based on ACMG/AMP sequence variant interpretation guidelines (Richards et al. 2015 PMID: 25741868, with internal and published modifications).

NM_017617.5(NOTCH1):c.1670-10C>T

Gene: NOTCH1 (notch receptor 1; minus strand). Cytogenetic location: 9q34.3.
Variant type: single nucleotide variant.
Coding change: c.1670-10C>T on transcript NM_017617.5 (MANE Select); 10 bases into the intron before coding-DNA position 1670, C replaced by T.
Molecular consequence: intron variant.
Genome position (GRCh38, 1-based): chr9:136,515,726, G>A on the plus strand (C>T on the coding strand, the complement: NOTCH1 is on the minus strand). VCF-style: chr9-136515726-G-A. GRCh37 (hg19) VCF-style: chr9-139410178-G-A.
Other names: c.1670-10C>T (NM_017617.4).
Identifiers: ClinVar variation 740137 (VCV000740137.12), dbSNP rs751747178, ClinGen allele CA5341663.
Genomic context (GRCh38, chr9:136,515,726, plus strand): 5'-GGTCGGGGTCGCACTCATCGATGTCCACCTCGCAGTGCGTCCCCGTGTACCCTGGACCGT[G>A]GGAGGGGCGGGCACAGGAAGACTTAGGACTGGCGGCCCCCGGGACACCCATGACCAGACC-3'